The following is an entry in ClinVar:

NM_001077350.3(NPRL3):c.1315C>A (p.Leu439Ile)

Genes: HBA-LCR (alpha-globin locus control region; plus strand), NPRL3 (NPR3 like, GATOR1 complex subunit; minus strand). Cytogenetic location: 16p13.3.
Variant type: single nucleotide variant.
Coding change: c.1315C>A on transcript NM_001077350.3 (MANE Select); coding-DNA position 1315, C replaced by A.
Protein change: p.Leu439Ile; replaces leucine 439 with isoleucine.
Molecular consequence: missense variant.
Genome position (GRCh38, 1-based): chr16:89,749, G>T on the plus strand (C>A on the coding strand, the complement: NPRL3 is on the minus strand). VCF-style: chr16-89749-G-T. GRCh37 (hg19) VCF-style: chr16-139747-G-T.
Other names: c.778C>A, p.Leu260Ile (NM_001039476.3); c.1081C>A, p.Leu361Ile (NM_001243247.2); c.1240C>A, p.Leu414Ile (NM_001243248.2, NM_001243249.2); short protein forms L361I, L260I, L414I, L439I.
Identifiers: ClinVar variation 2087694 (VCV002087694.4), dbSNP rs763320453, ClinGen allele CA394050805.

ClinVar aggregate classification (germline): Uncertain significance (1 of 4 stars; one submission).

Conditions:
Epilepsy, familial focal, with variable foci 3 (FFEVF3). Identifiers: MedGen C4310708, MONDO:0014925, OMIM 617118.

gnomAD v4.1: 1 of 1,596,206 alleles (0.000063%); highest among the groups gnomAD compares: Non-Finnish European, 0.000085%; no homozygotes.

Submission:

Labcorp Genetics (formerly Invitae), Labcorp
Classification: Uncertain significance for Epilepsy, familial focal, with variable foci 3. Last evaluated: 2022-01-18. Review status: criteria provided, single submitter. Criteria: Invitae Variant Classification Sherloc (09022015). Collection method: clinical testing. Allele origin: germline.
Comment: In summary, the available evidence is currently insufficient to determine the role of this variant in disease. Therefore, it has been classified as a Variant of Uncertain Significance. Experimental studies and prediction algorithms are not available or were not evaluated, and the functional significance of this variant is currently unknown. This variant has not been reported in the literature in individuals affected with NPRL3-related conditions. This variant is not present in population databases (gnomAD no frequency). This sequence change replaces leucine, which is neutral and non-polar, with isoleucine, which is neutral and non-polar, at codon 439 of the NPRL3 protein (p.Leu439Ile).